The following is an entry in ClinVar:

NM_031372.4(HNRNPDL):c.241C>G (p.Arg81Gly)

Gene: HNRNPDL (heterogeneous nuclear ribonucleoprotein D like; minus strand). Cytogenetic location: 4q21.22.
Variant type: single nucleotide variant.
Coding change: c.241C>G on transcript NM_031372.4 (MANE Select); coding-DNA position 241, C replaced by G.
Protein change: p.Arg81Gly; replaces arginine 81 with glycine.
Molecular consequence: missense variant. On other transcripts: non-coding transcript variant (1).
Genome position (GRCh38, 1-based): chr4:82,429,450, G>C on the plus strand (C>G on the coding strand, the complement: HNRNPDL is on the minus strand). VCF-style: chr4-82429450-G-C. GRCh37 (hg19) VCF-style: chr4-83350603-G-C.
Other names: c.241C>G, p.Arg81Gly (NM_001207000.1); short protein forms R81G.
Identifiers: ClinVar variation 2627353 (VCV002627353.1), dbSNP rs780496008, ClinGen allele CA2985115.

ClinVar aggregate classification (germline): Uncertain significance (1 of 4 stars; one submission).

Allele frequency attached by ClinVar (database versions not stated): ExAC 0.00002; TOPMed 0.00003.
gnomAD v4.1: 19 of 1,607,168 alleles (0.0012%); highest among the groups gnomAD compares: Non-Finnish European, 0.0015%; no homozygotes.

Submission:

Women's Health and Genetics/Laboratory Corporation of America, LabCorp
Classification: Uncertain significance. Last evaluated: 2023-09-28. Review status: criteria provided, single submitter. Criteria: LabCorp Variant Classification Summary - May 2015. Collection method: clinical testing. Allele origin: germline.
Comment: Variant summary: HNRPDL c.241C>G (p.Arg81Gly) results in a non-conservative amino acid change in the encoded protein sequence. Three of five in-silico tools predict a benign effect of the variant on protein function. The variant allele was found at a frequency of 8.7e-06 in 228650 control chromosomes (gnomAD). The available data on variant occurrences in the general population are insufficient to allow any conclusion about variant significance. To our knowledge, no occurrence of c.241C>G in individuals affected with Autosomal Dominant Limb-Girdle Muscular Dystrophy Type 1G and no experimental evidence demonstrating its impact on protein function have been reported. No submitters have reported clinical-significance assessments for this variant to ClinVar after 2014. Based on the evidence outlined above, the variant was classified as uncertain significance.